The following is an entry in ClinVar:

ClinVar aggregate classification (germline): Uncertain significance (1 of 4 stars; one submission).

Conditions:
Autosomal dominant hypocalcemia 1 (HYPOC1). Also called: HYPOCALCEMIA, FAMILIAL. Identifiers: MedGen C3715128, MONDO:0011013, OMIM 601198.
Familial hypocalciuric hypercalcemia (FHH). Also called: Familial benign hypercalcemia. Identifiers: Orphanet 405, MedGen C1809471, MONDO:0018458.

Submission:

Labcorp Genetics (formerly Invitae), Labcorp
Classification: Uncertain significance for Familial hypocalciuric hypercalcemia; Autosomal dominant hypocalcemia 1. Last evaluated: 2025-03-23. Review status: criteria provided, single submitter. Criteria: Invitae Variant Classification Sherloc (09022015). Collection method: clinical testing. Allele origin: germline.
Comment: This sequence change replaces proline, which is neutral and non-polar, with serine, which is neutral and polar, at codon 163 of the CASR protein (p.Pro163Ser). This variant is not present in population databases (gnomAD no frequency). This variant has not been reported in the literature in individuals affected with CASR-related conditions. An algorithm developed to predict the effect of missense changes on protein structure and function (PolyPhen-2) suggests that this variant is likely to be disruptive. In summary, the available evidence is currently insufficient to determine the role of this variant in disease. Therefore, it has been classified as a Variant of Uncertain Significance.

NM_000388.4(CASR):c.487C>T (p.Pro163Ser)

Gene: CASR (calcium sensing receptor; plus strand). Cytogenetic location: 3q21.1.
Variant type: single nucleotide variant.
Coding change: c.487C>T on transcript NM_000388.4 (MANE Select); coding-DNA position 487, C replaced by T.
Protein change: p.Pro163Ser; replaces proline 163 with serine.
Molecular consequence: missense variant.
Genome position (GRCh38, 1-based): chr3:122,257,382, C>T. VCF-style: chr3-122257382-C-T. GRCh37 (hg19) VCF-style: chr3-121976229-C-T.
Other names: c.487C>T, p.Pro163Ser (NM_001178065.2); short protein forms P163S.
Identifiers: ClinVar variation 4791379 (VCV004791379.1).